The following is an entry in ClinVar:

NM_004104.5(FASN):c.851C>T (p.Pro284Leu)

Gene: FASN (fatty acid synthase; minus strand). Cytogenetic location: 17q25.3.
Variant type: single nucleotide variant.
Coding change: c.851C>T on transcript NM_004104.5 (MANE Select); coding-DNA position 851, C replaced by T.
Protein change: p.Pro284Leu; replaces proline 284 with leucine.
Molecular consequence: missense variant.
Genome position (GRCh38, 1-based): chr17:82,092,740, G>A on the plus strand (C>T on the coding strand, the complement: FASN is on the minus strand). VCF-style: chr17-82092740-G-A. GRCh37 (hg19) VCF-style: chr17-80050616-G-A.
Other names: short protein forms P284L.
Identifiers: ClinVar variation 1346986 (VCV001346986.8), dbSNP rs2144806470, ClinGen allele CA401562743.

ClinVar aggregate classification (germline): Uncertain significance (1 of 4 stars; one submission).

Conditions:
Epileptic encephalopathy. Identifiers: MedGen C0543888, HP:0200134.

Submission:

Labcorp Genetics (formerly Invitae), Labcorp
Classification: Uncertain significance for Epileptic encephalopathy. Last evaluated: 2021-06-30. Review status: criteria provided, single submitter. Criteria: Invitae Variant Classification Sherloc (09022015). Collection method: clinical testing. Allele origin: germline.
Comment: This sequence change replaces proline with leucine at codon 284 of the FASN protein (p.Pro284Leu). The proline residue is highly conserved and there is a moderate physicochemical difference between proline and leucine. This variant is not present in population databases (ExAC no frequency). This variant has not been reported in the literature in individuals with FASN-related conditions. Algorithms developed to predict the effect of missense changes on protein structure and function are either unavailable or do not agree on the potential impact of this missense change (SIFT: "Deleterious"; PolyPhen-2: "Probably Damaging"; Align-GVGD: "Class C0"). In summary, the available evidence is currently insufficient to determine the role of this variant in disease. Therefore, it has been classified as a Variant of Uncertain Significance.